The following is an entry in ClinVar:

NM_001271.4(CHD2):c.907G>A (p.Gly303Ser)

Gene: CHD2 (chromodomain helicase DNA binding protein 2; plus strand). Cytogenetic location: 15q26.1.
Variant type: single nucleotide variant.
Coding change: c.907G>A on transcript NM_001271.4 (MANE Select); coding-DNA position 907, G replaced by A.
Protein change: p.Gly303Ser; replaces glycine 303 with serine.
Molecular consequence: missense variant.
Genome position (GRCh38, 1-based): chr15:92,942,923, G>A. VCF-style: chr15-92942923-G-A. GRCh37 (hg19) VCF-style: chr15-93486153-G-A.
Other names: c.907G>A, p.Gly303Ser (NM_001042572.3); short protein forms G303S.
Identifiers: ClinVar variation 387490 (VCV000387490.16), dbSNP rs200687736, ClinGen allele CA7747661.

ClinVar aggregate classification (germline): Benign. Review status: criteria provided, multiple submitters, no conflicts (2 of 4 stars). 3 submissions from 3 submitters: Benign (3). Last evaluated 2025-12-30.

Conditions:
Inborn genetic diseases. Identifiers: MedGen C0950123, MeSH D030342.
Developmental and epileptic encephalopathy 94 (DEE94). Also called: Epileptic encephalopathy, childhood-onset; CHD2-Related Neurodevelopmental Disorders. Identifiers: Orphanet 1942, Orphanet 2382, MedGen C3809278, MONDO:0014150, OMIM 615369.

Allele frequency attached by ClinVar (database versions not stated): gnomAD below 0.00001 and 0.00037; TOPMed 0.00008; gnomAD exomes 0.00139; ExAC 0.00140; 1000 Genomes Project 0.00280; 1000 Genomes Project 30x 0.00281.

Submissions (3):

Labcorp Genetics (formerly Invitae), Labcorp
Classification: Benign for Developmental and epileptic encephalopathy 94. Last evaluated: 2025-12-30. Review status: criteria provided, single submitter. Criteria: Invitae Variant Classification Sherloc (09022015). Collection method: clinical testing. Allele origin: germline.

GeneDx
Classification: Benign. Last evaluated: 2016-12-09. Review status: criteria provided, single submitter. Criteria: GeneDx Variant Classification (06012015). Collection method: clinical testing. Allele origin: germline. Affected: yes.
Comment: This variant is considered likely benign or benign based on one or more of the following criteria: it is a conservative change, it occurs at a poorly conserved position in the protein, it is predicted to be benign by multiple in silico algorithms, and/or has population frequency not consistent with disease.

Ambry Genetics
Classification: Benign for Inborn genetic diseases. Last evaluated: 2016-08-26. Review status: criteria provided, single submitter. Criteria: Ambry Variant Classification Scheme 2023. Collection method: clinical testing. Allele origin: germline.